The following is an entry in ClinVar:

NM_020975.6(RET):c.1497G>T (p.Gln499His)

Gene: RET (ret proto-oncogene; plus strand). Cytogenetic location: 10q11.21.
Variant type: single nucleotide variant.
Coding change: c.1497G>T on transcript NM_020975.6 (MANE Select); coding-DNA position 1497, G replaced by T.
Protein change: p.Gln499His; replaces glutamine 499 with histidine.
Molecular consequence: missense variant. On other transcripts: intron variant (15).
Genome position (GRCh38, 1-based): chr10:43,111,440, G>T. VCF-style: chr10-43111440-G-T. GRCh37 (hg19) VCF-style: chr10-43606888-G-T.
Other names: c.1497G>T, p.Gln499His (NM_000323.2, NM_001406743.1, NM_001406744.1 and 6 more transcripts); c.735G>T, p.Gln245His (NM_001355216.2); c.1368G>T, p.Gln456His (NM_001406761.1, NM_001406762.1, NM_001406764.1 and 1 more transcripts); c.1209G>T, p.Gln403His (NM_001406766.1, NM_001406767.1, NM_001406770.1); c.1101G>T, p.Gln367His (NM_001406769.1, NM_001406772.1); c.1059G>T, p.Gln353His (NM_001406771.1, NM_001406773.1); c.972G>T, p.Gln324His (NM_001406774.1); c.771G>T, p.Gln257His (NM_001406775.1, NM_001406776.1, NM_001406777.1 and 1 more transcripts); and 5 more; short protein forms Q169H, Q245H, Q257H, Q324H, Q353H, Q367H, Q403H, Q456H.
Identifiers: ClinVar variation 3227508 (VCV003227508.1), dbSNP rs1416343458, ClinGen allele CA376549967.

ClinVar aggregate classification (germline): Uncertain significance (1 of 4 stars; one submission).

Conditions:
Hereditary cancer-predisposing syndrome. Also called: Neoplastic Syndromes, Hereditary; Tumor predisposition; Hereditary neoplastic syndrome; Hereditary Cancer Syndrome. Identifiers: Orphanet 140162, MedGen C0027672, MeSH D009386, MONDO:0015356.

Allele frequency attached by ClinVar (database versions not stated): gnomAD exomes below 0.00001.
gnomAD v4.1: 2 of 1,613,598 alleles (0.00012%); highest among the groups gnomAD compares: Non-Finnish European, 0.00017%; no homozygotes.

Submission:

Ambry Genetics
Classification: Uncertain significance for Hereditary cancer-predisposing syndrome. Last evaluated: 2023-12-11. Review status: criteria provided, single submitter. Criteria: Ambry Variant Classification Scheme 2023. Collection method: clinical testing. Allele origin: germline.
Comment: The p.Q499H variant (also known as c.1497G>T), located in coding exon 7 of the RET gene, results from a G to T substitution at nucleotide position 1497. The glutamine at codon 499 is replaced by histidine, an amino acid with highly similar properties. This amino acid position is conserved. In addition, this alteration is predicted to be tolerated by in silico analysis. Since supporting evidence is limited at this time, the clinical significance of this alteration remains unclear.